The following is an entry in ClinVar:

ClinVar aggregate classification (germline): Conflicting classifications of pathogenicity. Review status: criteria provided, conflicting classifications (1 of 4 stars). 3 submissions from 3 submitters: Uncertain significance (2); Benign (1). Last evaluated 2025-09-16.

Conditions:
Hereditary cancer-predisposing syndrome. Also called: Neoplastic Syndromes, Hereditary; Hereditary Cancer Syndrome; Hereditary neoplastic syndrome; Tumor predisposition. Identifiers: Orphanet 140162, MedGen C0027672, MeSH D009386, MONDO:0015356.
Familial adenomatous polyposis 2. Also called: COLORECTAL ADENOMATOUS POLYPOSIS, AUTOSOMAL RECESSIVE; ADENOMAS, MULTIPLE COLORECTAL, AUTOSOMAL RECESSIVE; Adenomas, multiple colorectal; FAP type 2; MUTYH Polyposis; MUTYH-associated polyposis. Identifiers: Orphanet 220460, Orphanet 247798, MedGen C3272841, MONDO:0012041, OMIM 608456.

Submissions (3):

Ambry Genetics
Classification: Benign for Hereditary cancer-predisposing syndrome. Last evaluated: 2025-09-16. Review status: criteria provided, single submitter. Criteria: Ambry Variant Classification Scheme 2023. Collection method: clinical testing. Allele origin: germline.

Center for Genomic Medicine, Rigshospitalet, Copenhagen University Hospital
Classification: Uncertain significance. Last evaluated: 2025-03-04. Review status: criteria provided, single submitter. Criteria: ACMG Guidelines, 2015. Collection method: clinical testing. Allele origin: germline.

Labcorp Genetics (formerly Invitae), Labcorp
Classification: Uncertain significance for Familial adenomatous polyposis 2. Last evaluated: 2024-02-05. Review status: criteria provided, single submitter. Criteria: Invitae Variant Classification Sherloc (09022015). Collection method: clinical testing. Allele origin: germline.
Comment: This sequence change replaces leucine, which is neutral and non-polar, with arginine, which is basic and polar, at codon 211 of the MUTYH protein (p.Leu211Arg). This variant is not present in population databases (gnomAD no frequency). This variant has not been reported in the literature in individuals affected with MUTYH-related conditions. ClinVar contains an entry for this variant (Variation ID: 998567). An algorithm developed to predict the effect of missense changes on protein structure and function (PolyPhen-2) suggests that this variant is likely to be disruptive. In summary, the available evidence is currently insufficient to determine the role of this variant in disease. Therefore, it has been classified as a Variant of Uncertain Significance.

NM_001048174.2(MUTYH):c.548T>G (p.Leu183Arg)

Gene: MUTYH (mutY DNA glycosylase; minus strand). Cytogenetic location: 1p34.1.
Variant type: single nucleotide variant.
Coding change: c.548T>G on transcript NM_001048174.2 (MANE Select); coding-DNA position 548, T replaced by G.
Protein change: p.Leu183Arg; replaces leucine 183 with arginine.
Molecular consequence: missense variant. On other transcripts: non-coding transcript variant (2).
Genome position (GRCh38, 1-based): chr1:45,332,632, A>C on the plus strand (T>G on the coding strand, the complement: MUTYH is on the minus strand). VCF-style: chr1-45332632-A-C. GRCh37 (hg19) VCF-style: chr1-45798304-A-C.
Other names: c.203T>G, p.Leu68Arg (NM_001350650.2, NM_001350651.2); c.623T>G, p.Leu208Arg (NM_012222.3); c.632T>G (NM_001128425.1); c.548T>G, p.Leu183Arg (NM_001048171.2, NM_001048173.2, NM_001293195.2); c.551T>G, p.Leu184Arg (NM_001048172.2); c.632T>G, p.Leu211Arg (NM_001128425.2); c.593T>G, p.Leu198Arg (NM_001293190.2); c.581T>G, p.Leu194Arg (NM_001293191.2); and 1 more; short protein forms L183R, L184R, L194R, L198R, L208R, L211R, L68R, L91R.
Identifiers: ClinVar variation 998567 (VCV000998567.12), dbSNP rs1645145092, ClinGen allele CA340135360.